The following is an entry in ClinVar:

NM_014780.5(CUL7):c.-168C>T

Genes: CUL7 (cullin 7; minus strand), LOC129996487 (ATAC-STARR-seq lymphoblastoid silent region 17217; plus strand). Cytogenetic location: 6p21.1.
Variant type: single nucleotide variant.
Coding change: c.-168C>T on transcript NM_014780.5 (MANE Select); 168 bases upstream of the start codon, C replaced by T.
Molecular consequence: 5 prime UTR variant.
Genome position (GRCh38, 1-based): chr6:43,053,781, G>A on the plus strand (C>T on the coding strand, the complement: CUL7 is on the minus strand). VCF-style: chr6-43053781-G-A. GRCh37 (hg19) VCF-style: chr6-43021519-G-A.
Other names: NC_000006.11:g.43021519G>A; c.-79C>T (NM_001168370.2); c.-168C>T (NM_001374872.1, NM_001374873.1, NM_001374874.1).
Identifiers: ClinVar variation 356860 (VCV000356860.6), dbSNP rs3737186, ClinGen allele CA3814487.

ClinVar aggregate classification (germline): Benign (1 of 4 stars; one submission).

Conditions:
3M syndrome 1. Also called: 3-M Syndrome, CUL7-Related. Identifiers: Orphanet 2616, MedGen C2678312, MONDO:0010117, OMIM 273750.

Allele frequency attached by ClinVar (database versions not stated): gnomAD exomes 0.05561 and 0.08951; ExAC 0.08823; gnomAD 0.09184 and 0.09309; TOPMed 0.10154; 1000 Genomes Project 30x 0.13195; 1000 Genomes Project 0.13199.
gnomAD v4.1: 91,707 of 1,531,312 alleles (6%); highest among the groups gnomAD compares: East Asian, 18%; 4,111 homozygotes.

Submissions (30):

Illumina Laboratory Services, Illumina
Classification: Benign for 3M syndrome 1. Last evaluated: 2018-01-13. Review status: criteria provided, single submitter. Criteria: ICSL Variant Classification Criteria 13 December 2019. Collection method: clinical testing. Allele origin: germline.
Comment: This variant was observed in the ICSL laboratory as part of a predisposition screen in an ostensibly healthy population. It had not been previously curated by ICSL or reported in the Human Gene Mutation Database (HGMD: prior to June 1st, 2018), and was therefore a candidate for classification through an automated scoring system. Utilizing variant allele frequency, disease prevalence and penetrance estimates, and inheritance mode, an automated score was calculated to assess if this variant is too frequent to cause the disease. Based on the score and internal cut-off values, a variant classified as benign is not then subjected to further curation. The score for this variant resulted in a classification of benign for this disease.

Dr. Peter K. Rogan Lab, Western University
No classification provided (evidence only). Condition: Sarcoma. Review status: no classification provided. Collection method: in vitro. Allele origin: not applicable. Functional consequence: retained intron. Not counted in ClinVar's aggregate classification.

Dr. Peter K. Rogan Lab, Western University
No classification provided (evidence only). Condition: Sarcoma. Review status: no classification provided. Collection method: in vitro. Allele origin: not applicable. Functional consequence: retained intron. Not counted in ClinVar's aggregate classification.

Dr. Peter K. Rogan Lab, Western University
No classification provided (evidence only). Condition: Sarcoma. Review status: no classification provided. Collection method: in vitro. Allele origin: not applicable. Functional consequence: retained intron. Not counted in ClinVar's aggregate classification.

Dr. Peter K. Rogan Lab, Western University
No classification provided (evidence only). Condition: Sarcoma. Review status: no classification provided. Collection method: in vitro. Allele origin: not applicable. Functional consequence: retained intron. Not counted in ClinVar's aggregate classification.

Dr. Peter K. Rogan Lab, Western University
No classification provided (evidence only). Condition: Malignant tumor of esophagus. Review status: no classification provided. Collection method: in vitro. Allele origin: not applicable. Functional consequence: retained intron. Not counted in ClinVar's aggregate classification.

Dr. Peter K. Rogan Lab, Western University
No classification provided (evidence only). Condition: Malignant tumor of esophagus. Review status: no classification provided. Collection method: in vitro. Allele origin: not applicable. Functional consequence: retained intron. Not counted in ClinVar's aggregate classification.

Dr. Peter K. Rogan Lab, Western University
No classification provided (evidence only). Condition: Malignant tumor of esophagus. Review status: no classification provided. Collection method: in vitro. Allele origin: not applicable. Functional consequence: retained intron. Not counted in ClinVar's aggregate classification.

Dr. Peter K. Rogan Lab, Western University
No classification provided (evidence only). Condition: Malignant tumor of esophagus. Review status: no classification provided. Collection method: in vitro. Allele origin: not applicable. Functional consequence: retained intron. Not counted in ClinVar's aggregate classification.

Dr. Peter K. Rogan Lab, Western University
No classification provided (evidence only). Condition: Malignant tumor of esophagus. Review status: no classification provided. Collection method: in vitro. Allele origin: not applicable. Functional consequence: retained intron. Not counted in ClinVar's aggregate classification.

Dr. Peter K. Rogan Lab, Western University
No classification provided (evidence only). Condition: Malignant tumor of esophagus. Review status: no classification provided. Collection method: in vitro. Allele origin: not applicable. Functional consequence: retained intron. Not counted in ClinVar's aggregate classification.

Dr. Peter K. Rogan Lab, Western University
No classification provided (evidence only). Condition: Malignant tumor of esophagus. Review status: no classification provided. Collection method: in vitro. Allele origin: not applicable. Functional consequence: retained intron. Not counted in ClinVar's aggregate classification.

Dr. Peter K. Rogan Lab, Western University
No classification provided (evidence only). Condition: Malignant tumor of esophagus. Review status: no classification provided. Collection method: in vitro. Allele origin: not applicable. Functional consequence: retained intron. Not counted in ClinVar's aggregate classification.

Dr. Peter K. Rogan Lab, Western University
No classification provided (evidence only). Condition: Chronic lymphocytic leukemia/small lymphocytic lymphoma. Review status: no classification provided. Collection method: in vitro. Allele origin: not applicable. Functional consequence: retained intron. Not counted in ClinVar's aggregate classification.

Dr. Peter K. Rogan Lab, Western University
No classification provided (evidence only). Condition: Chronic lymphocytic leukemia/small lymphocytic lymphoma. Review status: no classification provided. Collection method: in vitro. Allele origin: not applicable. Functional consequence: retained intron. Not counted in ClinVar's aggregate classification.

Dr. Peter K. Rogan Lab, Western University
No classification provided (evidence only). Condition: Chronic lymphocytic leukemia/small lymphocytic lymphoma. Review status: no classification provided. Collection method: in vitro. Allele origin: not applicable. Functional consequence: retained intron. Not counted in ClinVar's aggregate classification.

Dr. Peter K. Rogan Lab, Western University
No classification provided (evidence only). Condition: Familial pancreatic carcinoma. Review status: no classification provided. Collection method: in vitro. Allele origin: not applicable. Functional consequence: retained intron. Not counted in ClinVar's aggregate classification.

Dr. Peter K. Rogan Lab, Western University
No classification provided (evidence only). Condition: Familial pancreatic carcinoma. Review status: no classification provided. Collection method: in vitro. Allele origin: not applicable. Functional consequence: retained intron. Not counted in ClinVar's aggregate classification.

Dr. Peter K. Rogan Lab, Western University
No classification provided (evidence only). Condition: Familial pancreatic carcinoma. Review status: no classification provided. Collection method: in vitro. Allele origin: not applicable. Functional consequence: retained intron. Not counted in ClinVar's aggregate classification.

Dr. Peter K. Rogan Lab, Western University
No classification provided (evidence only). Condition: Familial pancreatic carcinoma. Review status: no classification provided. Collection method: in vitro. Allele origin: not applicable. Functional consequence: retained intron. Not counted in ClinVar's aggregate classification.

Dr. Peter K. Rogan Lab, Western University
No classification provided (evidence only). Condition: Familial pancreatic carcinoma. Review status: no classification provided. Collection method: in vitro. Allele origin: not applicable. Functional consequence: retained intron. Not counted in ClinVar's aggregate classification.

Dr. Peter K. Rogan Lab, Western University
No classification provided (evidence only). Condition: Familial pancreatic carcinoma. Review status: no classification provided. Collection method: in vitro. Allele origin: not applicable. Functional consequence: retained intron. Not counted in ClinVar's aggregate classification.

Dr. Peter K. Rogan Lab, Western University
No classification provided (evidence only). Condition: Familial pancreatic carcinoma. Review status: no classification provided. Collection method: in vitro. Allele origin: not applicable. Functional consequence: retained intron. Not counted in ClinVar's aggregate classification.

Dr. Peter K. Rogan Lab, Western University
No classification provided (evidence only). Condition: Familial pancreatic carcinoma. Review status: no classification provided. Collection method: in vitro. Allele origin: not applicable. Functional consequence: retained intron. Not counted in ClinVar's aggregate classification.

Dr. Peter K. Rogan Lab, Western University
No classification provided (evidence only). Condition: Hepatocellular carcinoma. Review status: no classification provided. Collection method: in vitro. Allele origin: not applicable. Functional consequence: retained intron. Not counted in ClinVar's aggregate classification.

Dr. Peter K. Rogan Lab, Western University
No classification provided (evidence only). Condition: Hepatocellular carcinoma. Review status: no classification provided. Collection method: in vitro. Allele origin: not applicable. Functional consequence: retained intron. Not counted in ClinVar's aggregate classification.

Dr. Peter K. Rogan Lab, Western University
No classification provided (evidence only). Condition: Lymphoma. Review status: no classification provided. Collection method: in vitro. Allele origin: not applicable. Functional consequence: retained intron. Not counted in ClinVar's aggregate classification.

Dr. Peter K. Rogan Lab, Western University
No classification provided (evidence only). Condition: Ovarian cancer. Review status: no classification provided. Collection method: in vitro. Allele origin: not applicable. Functional consequence: retained intron. Not counted in ClinVar's aggregate classification.

Dr. Peter K. Rogan Lab, Western University
No classification provided (evidence only). Condition: Ovarian cancer. Review status: no classification provided. Collection method: in vitro. Allele origin: not applicable. Functional consequence: retained intron. Not counted in ClinVar's aggregate classification.

Dr. Peter K. Rogan Lab, Western University
No classification provided (evidence only). Condition: Ovarian cancer. Review status: no classification provided. Collection method: in vitro. Allele origin: not applicable. Functional consequence: retained intron. Not counted in ClinVar's aggregate classification.